The following is an entry in ClinVar:

NM_000631.5(NCF4):c.446_454del (p.Arg149_Arg151del)

Gene: NCF4 (neutrophil cytosolic factor 4; plus strand). Cytogenetic location: 22q12.3.
Variant type: Deletion.
Coding change: c.446_454del on transcript NM_000631.5 (MANE Select); coding-DNA positions 446 to 454, 9 bases deleted (GGCTCCGCC; older notation c.446_454delGGCTCCGCC).
Protein change: p.Arg149_Arg151del.
Molecular consequence: inframe deletion. On other transcripts: inframe indel (1).
Genome position (GRCh38, 1-based): chr22:36,870,518-36,870,526, GGCTCCGCC deleted; deleting any 9 consecutive bases within chr22:36,870,511-36,870,526 gives the same sequence; the c. name uses the placement nearest the transcript's 3' end. VCF-style (leftmost placement, unchanged base first): chr22-36870510-ACTCCGCCGG-A. GRCh37 (hg19) VCF-style: chr22-37266552-ACTCCGCCGG-A.
Other names: c.446_454del9 (NM_013416.3); c.446_454del, p.Arg149_Arg151del (NM_013416.4).
Identifiers: ClinVar variation 2632976 (VCV002632976.2), dbSNP rs2517920241, ClinGen allele CA2695200117.

ClinVar aggregate classification (germline): Uncertain significance. Review status: criteria provided, multiple submitters, no conflicts (2 of 4 stars). 2 submissions from 2 submitters: Uncertain significance (2). Last evaluated 2024-08-28.

Conditions:
NCF4-related disorder. Also called: NCF4-related condition.
Granulomatous disease, chronic, autosomal recessive, cytochrome b-positive, type 3. Also called: GRANULOMATOUS DISEASE, CHRONIC, DUE TO NCF4 DEFICIENCY; Granulomatous disease, chronic, autosomal recessive, cytochrome b-positive, type III; GRANULOMATOUS DISEASE, CHRONIC, AUTOSOMAL RECESSIVE, 3; CGD, AUTOSOMAL RECESSIVE CYTOCHROME b-POSITIVE, TYPE III. Identifiers: Orphanet 379, MedGen C3151409, MONDO:0013507, OMIM 613960.

Submissions (2):

Labcorp Genetics (formerly Invitae), Labcorp
Classification: Uncertain significance for Granulomatous disease, chronic, autosomal recessive, cytochrome b-positive, type 3. Last evaluated: 2024-08-28. Review status: criteria provided, single submitter. Criteria: Invitae Variant Classification Sherloc (09022015). Collection method: clinical testing. Allele origin: germline.
Comment: This variant, c.446_454del, results in the deletion of 3 amino acid(s) of the NCF4 protein (p.Arg149_Arg151del), but otherwise preserves the integrity of the reading frame. This variant is not present in population databases (gnomAD no frequency). This variant has not been reported in the literature in individuals affected with NCF4-related conditions. ClinVar contains an entry for this variant (Variation ID: 2632976). Experimental studies and prediction algorithms are not available or were not evaluated, and the functional significance of this variant is currently unknown. In summary, the available evidence is currently insufficient to determine the role of this variant in disease. Therefore, it has been classified as a Variant of Uncertain Significance.

PreventionGenetics, part of Exact Sciences
Classification: Uncertain significance for NCF4-related condition. Last evaluated: 2023-04-27. Review status: criteria provided, single submitter. Criteria: ACMG Guidelines, 2015. Collection method: clinical testing. Allele origin: germline.
Comment: The NCF4 c.446_454del9 variant is predicted to result in an in-frame deletion (p.Arg149_Arg151del). To our knowledge, this variant has not been reported in the literature or in a large population database, indicating this variant is rare. At this time, the clinical significance of this variant is uncertain due to the absence of conclusive functional and genetic evidence.